The following is an entry in ClinVar:

ClinVar aggregate classification (germline): Likely pathogenic. Review status: reviewed by expert panel (3 of 4 stars). 4 submissions from 4 submitters: Likely pathogenic (1). 3 of the submissions do not count toward it. Last evaluated 2025-11-19.

Conditions:
CYP1B1-related glaucoma with or without anterior segment dysgenesis. Identifiers: MedGen CN375931, MONDO:0800472.
Glaucoma 3A. Also called: Glaucoma 3, primary congenital, A. Identifiers: Orphanet 98976, Orphanet 98977, MedGen C1856439, MONDO:0009277, OMIM 231300.
Anterior segment dysgenesis 6 (ASGD6). Also called: Anterior segment dysgenesis 6, multiple subtypes. Identifiers: MedGen C4310623, MONDO:0015016, OMIM 617315.

Allele frequency attached by ClinVar (database versions not stated): gnomAD 0.00001 and 0.00002; gnomAD exomes 0.00001; ExAC 0.00001; TOPMed 0.00003.

Submissions (4):

ClinGen Glaucoma Variant Curation Expert Panel
Classification: Likely pathogenic for CYP1B1-related glaucoma with or without anterior segment dysgenesis. Last evaluated: 2025-11-19. Review status: reviewed by expert panel. Criteria: ClinGen CYP1B1 ACMG Specifications V1 Approved. Collection method: curation. Allele origin: germline. Inheritance: Autosomal recessive inheritance.
Comment: The c.1198C>T variant in CYP1B1 is a missense variant predicted to cause substitution of Proline by Serine at amino acid 400 (p.Pro400Ser). The highest minor allele frequency of this variant was in the Remaining genetic ancestry group of gnomAD (v4.1.0) = 0.00004801 (3 alleles out of 62,486), which met the ≤ 0.0005 threshold set for PM2_Supporting in a genetic ancestry group of at least 2,000 alleles. The REVEL score = 0.674, which was within the 0.644-0.772 range for PP3, predicting a damaging effect on CYP1B1 function. PS3_Supporting was not applied, as although the OddsPath threshold was met (> 2.1), the threshold for abnormal impact on protein function in the assays could not be determined (PMID: 19234632). 2 affected segregations with a CYP1B1-related phenotype have been reported (PMID: 28384041, ANZRAG database [E. Souzeau pers. comm.]), which fulfilled PP1_Moderate. This variant has been identified in 3 individuals with a CYP1B1-related phenotype. Total proband points = 1.25, meeting PM3. In summary, this variant met the criteria to receive a score of 6 and to be classified as likely pathogenic (likely pathogenic classification range 6 to 9, adapted from PMID: 32720330) for CYP1B1-related glaucoma with or without anterior segment dysgenesis (ASD) based on the ACMG/AMP criteria met, as specified by the ClinGen Glaucoma VCEP (v1.0, 06.11.2025): PM3, PP1_Moderate, PP3, PM2_Supporting

Baylor Genetics
Classification: Likely pathogenic for Anterior segment dysgenesis 6. Last evaluated: 2023-11-04. Review status: criteria provided, single submitter. Criteria: ACMG Guidelines, 2015. Collection method: clinical testing. Allele origin: unknown. Not counted in ClinVar's aggregate classification.

Mendelics
Classification: Likely pathogenic for Glaucoma 3A. Last evaluated: 2022-05-04. Review status: criteria provided, single submitter. Criteria: Mendelics Assertion Criteria 2019. Collection method: clinical testing. Allele origin: germline. Not counted in ClinVar's aggregate classification.

Women's Health and Genetics/Laboratory Corporation of America, LabCorp
Classification: Uncertain significance. Last evaluated: 2021-12-06. Review status: criteria provided, single submitter. Criteria: LabCorp Variant Classification Summary - May 2015. Collection method: clinical testing. Allele origin: germline. Not counted in ClinVar's aggregate classification.
Comment: Variant summary: CYP1B1 c.1198C>T (p.Pro400Ser) results in a non-conservative amino acid change in the encoded protein sequence. Five of five in-silico tools predict a damaging effect of the variant on protein function. The variant allele was found at a frequency of 1.2e-05 in 250896 control chromosomes. c.1198C>T has been reported in the literature as a homozygous and compound heterozygous genotype in individuals affected with Primary Congenital Glaucoma (example, Dimasi_2007, Campos-Mollo_2009). These data indicate that the variant may be associated with disease. At least one publication reports experimental evidence evaluating an impact on protein function (Campos-Mollo_2009). The most pronounced variant effect results in significantly reduced the CYP1B1 protein levels to about 35% of the initial value by analysis of the protein stability using transiently transfected HEK-293T cells that were treated with the protein synthesis inhibitor, cycloheximide, at various time points, however no effect on catalytic activity was reported. The authors classify this as an incompletely penetrant hypomorphic allele. No clinical diagnostic laboratories have submitted clinical-significance assessments for this variant to ClinVar after 2014. Based on the evidence outlined above, the variant was classified as VUS-possibly pathogenic.

Literature cited by the submitters: PubMed 19234632 (cited by Women's Health and Genetics/Laboratory Corporation of America, LabCorp); PubMed 17718864 (cited by Women's Health and Genetics/Laboratory Corporation of America, LabCorp).

NM_000104.4(CYP1B1):c.1198C>T (p.Pro400Ser)

Gene: CYP1B1 (cytochrome P450 family 1 subfamily B member 1; minus strand). Cytogenetic location: 2p22.2.
Variant type: single nucleotide variant.
Coding change: c.1198C>T on transcript NM_000104.4 (MANE Select); coding-DNA position 1198, C replaced by T.
Protein change: p.Pro400Ser; replaces proline 400 with serine.
Molecular consequence: missense variant.
Genome position (GRCh38, 1-based): chr2:38,071,156, G>A on the plus strand (C>T on the coding strand, the complement: CYP1B1 is on the minus strand). VCF-style: chr2-38071156-G-A. GRCh37 (hg19) VCF-style: chr2-38298299-G-A.
Other names: NM_000104.4(CYP1B1):c.1198C>T; p.Pro400Ser; short protein forms P400S.
Identifiers: ClinVar variation 1331361 (VCV001331361.4), dbSNP rs768047511, ClinGen allele CA1619838.
Genomic context (GRCh38, chr2:38,071,156, plus strand): 5'-CCACAGTGTCCTTGGGAATGTGGTAGCCCAAGACAGAGGTGTTGGCAGTGGTGGCATGAG[G>A]AATAGTGACAGGCACAAAGCTGGAGAAGCGCATGGCTTCATAAAGGAAGGCCAGGACATA-3'
Protein context (NP_000095.2, residues 390-410): RFSSFVPVTI[Pro400Ser]HATTANTSVL